The following is an entry in ClinVar:

ClinVar aggregate classification (germline): Likely benign (1 of 4 stars; one submission).

Submission:

CeGaT Center for Human Genetics Tuebingen
Classification: Likely benign. Last evaluated: 2025-09-01. Review status: criteria provided, single submitter. Criteria: CeGaT Center For Human Genetics Tuebingen Variant Classification Criteria Version 2. Collection method: clinical testing. Allele origin: germline. Affected: yes. Observed: 1 variant allele.
Comment: KCNC3: BP4, BP7

NM_004977.3(KCNC3):c.2217C>T (p.Gly739=)

Gene: KCNC3 (potassium voltage-gated channel subfamily C member 3; minus strand). Cytogenetic location: 19q13.33.
Variant type: single nucleotide variant.
Coding change: c.2217C>T on transcript NM_004977.3 (MANE Select); coding-DNA position 2217, C replaced by T.
Protein change: p.Gly739=; no amino-acid change (glycine 739 retained).
Molecular consequence: synonymous variant.
Genome position (GRCh38, 1-based): chr19:50,320,303, G>A on the plus strand (C>T on the coding strand, the complement: KCNC3 is on the minus strand). VCF-style: chr19-50320303-G-A. GRCh37 (hg19) VCF-style: chr19-50823560-G-A.
Other names: c.1989C>T, p.Gly663= (NM_001372305.1).
Identifiers: ClinVar variation 4084499 (VCV004084499.8).